The following is an entry in ClinVar:

ClinVar aggregate classification (germline): Uncertain significance (1 of 4 stars; one submission).

Submission:

Dasa
Classification: Uncertain significance. Last evaluated: 2025-07-30. Review status: criteria provided, single submitter. Criteria: DASA Assertion Criteria. Collection method: clinical testing. Allele origin: germline.
Comment: NM_001065.4(TNFRSF1A):c.1234C>T (p.Pro412Ser) is a missense variant that results in the substitution of proline with serine. This variant is rare in population databases. The currently available literature and clinical evidence are not sufficient to establish a definitive association between this variant and the reported condition. Therefore, this variant is classified as a variant of uncertain significance.

NM_001065.4(TNFRSF1A):c.1234C>T (p.Pro412Ser)

Gene: TNFRSF1A (TNF receptor superfamily member 1A; minus strand). Cytogenetic location: 12p13.31.
Variant type: single nucleotide variant.
Coding change: c.1234C>T on transcript NM_001065.4 (MANE Select); coding-DNA position 1234, C replaced by T.
Protein change: p.Pro412Ser; replaces proline 412 with serine.
Molecular consequence: missense variant. On other transcripts: non-coding transcript variant (1).
Genome position (GRCh38, 1-based): chr12:6,329,446, G>A on the plus strand (C>T on the coding strand, the complement: TNFRSF1A is on the minus strand). VCF-style: chr12-6329446-G-A. GRCh37 (hg19) VCF-style: chr12-6438612-G-A.
Other names: c.910C>T, p.Pro304Ser (NM_001346091.2); c.775C>T, p.Pro259Ser (NM_001346092.2); short protein forms P259S, P304S, P412S.
Identifiers: ClinVar variation 4885760 (VCV004885760.2).